The following is an entry in ClinVar:

NM_152327.5(AK7):c.871-2A>G

Gene: AK7 (adenylate kinase 7; plus strand). Cytogenetic location: 14q32.2.
Variant type: single nucleotide variant.
Coding change: c.871-2A>G on transcript NM_152327.5 (MANE Select); the canonical splice acceptor site of the intron before coding-DNA position 871, A replaced by G.
Molecular consequence: splice acceptor variant. On other transcripts: intron variant (1).
Genome position (GRCh38, 1-based): chr14:96,449,800, A>G. VCF-style: chr14-96449800-A-G. GRCh37 (hg19) VCF-style: chr14-96916137-A-G.
Other names: c.871-2A>G (NM_001350888.2, NM_001350890.2, NM_001350892.2); c.871-1621A>G (NM_001350891.2).
Identifiers: ClinVar variation 1346101 (VCV001346101.6), dbSNP rs1201041306, ClinGen allele CA390912405.

ClinVar aggregate classification (germline): Uncertain significance (1 of 4 stars; one submission).

Allele frequency attached by ClinVar (database versions not stated): gnomAD exomes below 0.00001 and 0.00002.
gnomAD v4.1: 6 of 1,605,594 alleles (0.00037%); highest among the groups gnomAD compares: Admixed American, 0.0067%; no homozygotes.

Submission:

Labcorp Genetics (formerly Invitae), Labcorp
Classification: Uncertain significance. Last evaluated: 2022-07-05. Review status: criteria provided, single submitter. Criteria: Invitae Variant Classification Sherloc (09022015). Collection method: clinical testing. Allele origin: germline.
Comment: This sequence change affects an acceptor splice site in intron 8 of the AK7 gene. It is expected to disrupt RNA splicing. Variants that disrupt the donor or acceptor splice site typically lead to a loss of protein function (PMID: 16199547), however the current clinical and genetic evidence is not sufficient to establish whether loss-of-function variants in AK7 cause disease. This variant is present in population databases (no rsID available, gnomAD 0.01%). This variant has not been reported in the literature in individuals affected with AK7-related conditions. ClinVar contains an entry for this variant (Variation ID: 1346101). Algorithms developed to predict the effect of sequence changes on RNA splicing suggest that this variant may disrupt the consensus splice site. In summary, the available evidence is currently insufficient to determine the role of this variant in disease. Therefore, it has been classified as a Variant of Uncertain Significance.

Literature cited by the submitters: PubMed 16199547.